The following is an entry in ClinVar:

ClinVar aggregate classification (germline): Likely pathogenic (1 of 4 stars; one submission).

Submission:

Labcorp Genetics (formerly Invitae), Labcorp
Classification: Likely pathogenic. Last evaluated: 2023-02-08. Review status: criteria provided, single submitter. Criteria: Invitae Variant Classification Sherloc (09022015). Collection method: clinical testing. Allele origin: unknown.
Comment: This variant results in the deletion of exons 32-40 and part of exon 41 (c.3510-339_4490del) of the UBR1 gene. It is expected to disrupt RNA splicing. Variants that disrupt the donor or acceptor splice site typically lead to a loss of protein function (PMID: 16199547), and loss-of-function variants in UBR1 are known to be pathogenic (PMID: 24599544). This variant has not been reported in the literature in individuals affected with UBR1-related conditions. This variant disrupts a region of the UBR1 protein in which other variant(s) (p.Ser1427Phe) have been observed in individuals with UBR1-related conditions (PMID: 24599544). This suggests that this is a clinically significant region of the protein, and that variants that disrupt it are likely to be disease-causing. In summary, the currently available evidence indicates that the variant is pathogenic, but additional data are needed to prove that conclusively. Therefore, this variant has been classified as Likely Pathogenic.

Literature cited by the submitters: PubMed 16199547; PubMed 24599544.

NC_000015.9:g.(?_43258452)_(43295241_?)del

Gene: UBR1 (ubiquitin protein ligase E3 component n-recognin 1; minus strand). Cytogenetic location: 15q15.2.
Variant type: Deletion.
Identifiers: ClinVar variation 3243928 (VCV003243928.1).